The following is an entry in ClinVar:

NM_000384.3(APOB):c.81C>T (p.Ala27=)

Genes: APOB (apolipoprotein B; minus strand), LOC106560211 (APOB 5' regulatory region; plus strand). Cytogenetic location: 2p24.1.
Variant type: single nucleotide variant.
Coding change: c.81C>T on transcript NM_000384.3 (MANE Select); coding-DNA position 81, C replaced by T.
Protein change: p.Ala27=; no amino-acid change (alanine 27 retained).
Molecular consequence: synonymous variant.
Genome position (GRCh38, 1-based): chr2:21,043,865, G>A on the plus strand (C>T on the coding strand, the complement: APOB is on the minus strand). VCF-style: chr2-21043865-G-A. GRCh37 (hg19) VCF-style: chr2-21266737-G-A.
Identifiers: ClinVar variation 3932598 (VCV003932598.2).

ClinVar aggregate classification (germline): Conflicting classifications of pathogenicity. Review status: criteria provided, conflicting classifications (1 of 4 stars). 2 submissions from 2 submitters: Uncertain significance (1); Likely benign (1). Last evaluated 2025-12-22.

Conditions:
Familial hypobetalipoproteinemia 1. Also called: APOB-Related Familial Hypobetalipoproteinemia; Hypobetalipoproteinemia, normotriglyceridemic; Acanthocytosis with hypobetalipoproteinemia. Identifiers: MedGen C4551990, MONDO:0014252, OMIM 615558.
Hypercholesterolemia, autosomal dominant, type B (FHCL2). Also called: APOB-Related Familial Hypercholesterolemia, Autosomal Dominant; Familial Hypercholesterolemia Type B; APOLIPOPROTEIN B-100, FAMILIAL DEFECTIVE; APOLIPOPROTEIN B-100, FAMILIAL LIGAND-DEFECTIVE; HYPERCHOLESTEROLEMIA, FAMILIAL, DUE TO LIGAND-DEFECTIVE APOLIPOPROTEIN B; Familial hypercholesterolemia 2. Identifiers: MedGen C1704417, MONDO:0007751, OMIM 144010.
Cardiovascular phenotype. Identifiers: MedGen CN230736.

gnomAD v4.1: 4 of 1,500,978 alleles (0.00027%); highest among the groups gnomAD compares: Admixed American, 0.0042%; no homozygotes.

Submissions (2):

Labcorp Genetics (formerly Invitae), Labcorp
Classification: Uncertain significance for Familial hypobetalipoproteinemia 1; Hypercholesterolemia, autosomal dominant, type B. Last evaluated: 2025-12-22. Review status: criteria provided, single submitter. Criteria: Invitae Variant Classification Sherloc (09022015). Collection method: clinical testing. Allele origin: germline.
Comment: This sequence change affects codon 27 of the APOB mRNA. It is a 'silent' change, meaning that it does not change the encoded amino acid sequence of the APOB protein. It affects a nucleotide within the consensus splice site. The frequency data for this variant in the population databases is considered unreliable, as metrics indicate poor data quality at this position in the gnomAD database. This variant has not been reported in the literature in individuals affected with APOB-related conditions. ClinVar contains an entry for this variant (Variation ID: 3932598). Algorithms developed to predict the effect of sequence changes on RNA splicing suggest that this variant is not likely to affect RNA splicing. In summary, the available evidence is currently insufficient to determine the role of this variant in disease. Therefore, it has been classified as a Variant of Uncertain Significance.

Ambry Genetics
Classification: Likely benign for Cardiovascular phenotype. Last evaluated: 2025-03-25. Review status: criteria provided, single submitter. Criteria: Ambry Variant Classification Scheme 2023. Collection method: clinical testing. Allele origin: germline.